The following is an entry in ClinVar:

NM_001211.6(BUB1B):c.3143T>C (p.Leu1048Pro)

Genes: BUB1B (BUB1 mitotic checkpoint serine/threonine kinase B; plus strand), BUB1B-PAK6 (BUB1B-PAK6 readthrough; plus strand). Cytogenetic location: 15q15.1.
Variant type: single nucleotide variant.
Coding change: c.3143T>C on transcript NM_001211.6 (MANE Select); coding-DNA position 3143, T replaced by C.
Protein change: p.Leu1048Pro; replaces leucine 1048 with proline.
Molecular consequence: missense variant. On other transcripts: intron variant (2).
Genome position (GRCh38, 1-based): chr15:40,220,749, T>C. VCF-style: chr15-40220749-T-C. GRCh37 (hg19) VCF-style: chr15-40512950-T-C.
Other names: c.-201+3082T>C (NM_001128628.3); c.-118+3082T>C (NM_001128629.3); short protein forms L1048P.
Identifiers: ClinVar variation 4826660 (VCV004826660.1).

ClinVar aggregate classification (germline): Uncertain significance (1 of 4 stars; one submission).

Conditions:
Inborn genetic diseases. Identifiers: MedGen C0950123, MeSH D030342.

Submission:

Ambry Genetics
Classification: Uncertain significance for Inborn genetic diseases. Last evaluated: 2026-03-12. Review status: criteria provided, single submitter. Criteria: Ambry Variant Classification Scheme 2023. Collection method: clinical testing. Allele origin: germline.
Comment: The p.L1048P variant (also known as c.3143T>C), located in coding exon 23 of the BUB1B gene, results from a T to C substitution at nucleotide position 3143. The leucine at codon 1048 is replaced by proline, an amino acid with similar properties. This amino acid position is conserved. In addition, the in silico prediction for this alteration is inconclusive. Based on the available evidence, the clinical significance of this variant remains unclear.